The following is an entry in ClinVar:

ClinVar aggregate classification (germline): Uncertain significance (1 of 4 stars; one submission).

Conditions:
Spondylodysplastic Ehlers-Danlos syndrome. Identifiers: Orphanet 536471, Orphanet 75496, MedGen C5680154, MONDO:0007526.

Submission:

Labcorp Genetics (formerly Invitae), Labcorp
Classification: Uncertain significance for Spondylodysplastic Ehlers-Danlos syndrome. Last evaluated: 2022-05-07. Review status: criteria provided, single submitter. Criteria: Invitae Variant Classification Sherloc (09022015). Collection method: clinical testing. Allele origin: germline.
Comment: This sequence change creates a premature translational stop signal (p.Pro168Trpfs*115) in the B4GALT7 gene. While this is not anticipated to result in nonsense mediated decay, it is expected to disrupt the last 160 amino acid(s) of the B4GALT7 protein. In summary, the available evidence is currently insufficient to determine the role of this variant in disease. Therefore, it has been classified as a Variant of Uncertain Significance. This variant has not been reported in the literature in individuals affected with B4GALT7-related conditions. This variant is not present in population databases (gnomAD no frequency).

NM_007255.3(B4GALT7):c.502_517del (p.Pro168fs)

Gene: B4GALT7 (beta-1,4-galactosyltransferase 7; plus strand). Cytogenetic location: 5q35.3.
Variant type: Deletion.
Coding change: c.502_517del on transcript NM_007255.3 (MANE Select); coding-DNA positions 502 to 517, 16 bases deleted (CCTCTCAACGAGGAGC).
Protein change: p.Pro168fs; shifts the reading frame from proline 168.
Molecular consequence: frameshift variant.
Genome position (GRCh38, 1-based): chr5:177,607,390-177,607,405, CCTCTCAACGAGGAGC deleted; deleting any 16 consecutive bases within chr5:177,607,389-177,607,405 gives the same sequence; the c. name uses the placement nearest the transcript's 3' end. VCF-style (leftmost placement, unchanged base first): chr5-177607388-TCCCTCTCAACGAGGAG-T. GRCh37 (hg19) VCF-style: chr5-177034389-TCCCTCTCAACGAGGAG-T.
Other names: short protein forms P168fs.
Identifiers: ClinVar variation 1346674 (VCV001346674.6), dbSNP rs2127513246, ClinGen allele CA2573139477.